The following is an entry in ClinVar:

NM_000368.5(TSC1):c.2042-2A>G

Gene: TSC1 (TSC complex subunit 1; minus strand). Cytogenetic location: 9q34.13.
Variant type: single nucleotide variant.
Coding change: c.2042-2A>G on transcript NM_000368.5 (MANE Select); the canonical splice acceptor site of the intron before coding-DNA position 2042, A replaced by G.
Molecular consequence: splice acceptor variant. On other transcripts: intron variant (4).
Genome position (GRCh38, 1-based): chr9:132,903,819, T>C on the plus strand (A>G on the coding strand, the complement: TSC1 is on the minus strand). VCF-style: chr9-132903819-T-C. GRCh37 (hg19) VCF-style: chr9-135779206-T-C.
Other names: c.1676-2A>G (NM_001406620.1, NM_001406625.1, NM_001406621.1 and 2 more transcripts); c.1679-2A>G (NM_001406618.1, NM_001406617.1, NM_001406619.1 and 5 more transcripts); c.1886-2A>G (NM_001406613.1, NM_001406612.1, NM_001406611.1); c.1889-2A>G (NM_001406610.1, NM_001162427.2); c.1088-2A>G (NM_001406627.1, NM_001406628.1); c.989-2A>G (NM_001406629.1, NM_001406630.1); c.2039-17A>G (NM_001406603.1, NM_001406604.1); c.2039-2A>G (NM_001406609.1, NM_001406597.1, NM_001406600.1 and 4 more transcripts); and 3 more.
Identifiers: ClinVar variation 48881 (VCV000048881.25), dbSNP rs118203628, ClinGen allele CA005836.

ClinVar aggregate classification (germline): Likely pathogenic. Review status: criteria provided, multiple submitters, no conflicts (2 of 4 stars). 3 submissions from 3 submitters: Likely pathogenic (2). 1 of the submissions does not count toward it. Last evaluated 2024-01-01.

Conditions:
Tuberous sclerosis syndrome (TSC). Also called: Tuberous Sclerosis Complex; Tuberous sclerosis. Identifiers: Orphanet 805, MedGen C0041341, MONDO:0001734.
Isolated focal cortical dysplasia type II (FCORD2). Also called: CORTICAL DYSPLASIA OF TAYLOR; Focal cortical dysplasia type II. Identifiers: Orphanet 268994, MedGen C1846385, MONDO:0011818, OMIM 607341, HP:0032051.

Submissions (3):

CeGaT Center for Human Genetics Tuebingen
Classification: Likely pathogenic. Last evaluated: 2024-01-01. Review status: criteria provided, single submitter. Criteria: CeGaT Center For Human Genetics Tuebingen Variant Classification Criteria Version 2. Collection method: clinical testing. Allele origin: germline. Affected: yes. Observed: 2 variant alleles.
Comment: TSC1: PVS1, PM2:Supporting

Baylor Genetics
Classification: Likely pathogenic for Isolated focal cortical dysplasia type II. Last evaluated: 2023-06-01. Review status: criteria provided, single submitter. Criteria: ACMG Guidelines, 2015. Collection method: clinical testing. Allele origin: unknown.

Tuberous sclerosis database (TSC1)
No classification provided. Condition: TSC. Review status: no classification provided. Criteria: Tuberous Sclerosis Database Assertion Criteria 2015. Collection method: curation. Allele origin: germline. Affected: yes. Not counted in ClinVar's aggregate classification.